The following is an entry in ClinVar:

NM_000038.6(APC):c.764A>C (p.His255Pro)

Gene: APC (APC regulator of Wnt signaling pathway; plus strand). Cytogenetic location: 5q22.2.
Variant type: single nucleotide variant.
Coding change: c.764A>C on transcript NM_000038.6 (MANE Select); coding-DNA position 764, A replaced by C.
Protein change: p.His255Pro; replaces histidine 255 with proline.
Molecular consequence: missense variant. On other transcripts: 5 prime UTR variant (4), non-coding transcript variant (2).
Genome position (GRCh38, 1-based): chr5:112,801,313, A>C. VCF-style: chr5-112801313-A-C. GRCh37 (hg19) VCF-style: chr5-112137010-A-C.
Other names: c.764A>C, p.His255Pro (NM_001127510.3, NM_001354895.2, NM_001354896.2 and 12 more transcripts); c.710A>C, p.His237Pro (NM_001127511.3); c.794A>C, p.His265Pro (NM_001354897.2, NM_001354902.2, NM_001407446.1); c.689A>C, p.His230Pro (NM_001354898.2, NM_001354904.2, NM_001407451.1); c.680A>C, p.His227Pro (NM_001354899.2, NM_001407452.1, NM_001407467.1 and 1 more transcripts); c.587A>C, p.His196Pro (NM_001354900.2, NM_001354901.2, NM_001354905.2 and 1 more transcripts); c.-272A>C (NM_001354906.2, NM_001407470.1, NM_001407471.1 and 1 more transcripts); short protein forms H255P, H196P, H227P, H230P, H265P, H237P.
Identifiers: ClinVar variation 3882679 (VCV003882679.1).

ClinVar aggregate classification (germline): Uncertain significance (1 of 4 stars; one submission).

Conditions:
Hereditary cancer-predisposing syndrome. Also called: Tumor predisposition; Neoplastic Syndromes, Hereditary; Hereditary Cancer Syndrome; Hereditary neoplastic syndrome. Identifiers: Orphanet 140162, MedGen C0027672, MeSH D009386, MONDO:0015356.

gnomAD v4.1: 1 of 1,613,100 alleles (0.000062%); highest among the groups gnomAD compares: Non-Finnish European, 0.000085%; no homozygotes.

Submission:

Ambry Genetics
Classification: Uncertain significance for Hereditary cancer-predisposing syndrome. Last evaluated: 2025-03-02. Review status: criteria provided, single submitter. Criteria: Ambry Variant Classification Scheme 2023. Collection method: clinical testing. Allele origin: germline.
Comment: The p.H255P variant (also known as c.764A>C), located in coding exon 7 of the APC gene, results from an A to C substitution at nucleotide position 764. The histidine at codon 255 is replaced by proline, an amino acid with similar properties. This amino acid position is conserved. In addition, in silico predictors for this gene do not accurately predict pathogenicity. Based on the available evidence, the clinical significance of this variant remains unclear.